The following is an entry in ClinVar:

ClinVar aggregate classification (germline): Pathogenic/Likely pathogenic. Review status: criteria provided, multiple submitters, no conflicts (2 of 4 stars). 3 submissions from 3 submitters: Pathogenic (1); Likely pathogenic (2). Last evaluated 2024-01-11.

Conditions:
Autosomal recessive osteopetrosis 1. Also called: ALBERS-SCHONBERG DISEASE, AUTOSOMAL RECESSIVE; TCIRG1-Related Autosomal Recessive Osteopetrosis; TCIRG1-Related Osteopetrosis. Identifiers: Orphanet 667, MedGen C1850127, MONDO:0009815, OMIM 259700.

Allele frequency attached by ClinVar (database versions not stated): TOPMed below 0.00001.

Submissions (3):

Fulgent Genetics
Classification: Likely pathogenic for Autosomal recessive osteopetrosis 1. Last evaluated: 2024-01-11. Review status: criteria provided, single submitter. Criteria: ACMG Guidelines, 2015. Collection method: clinical testing. Allele origin: germline.

Baylor Genetics
Classification: Likely pathogenic for Autosomal recessive osteopetrosis 1. Last evaluated: 2023-10-07. Review status: criteria provided, single submitter. Criteria: ACMG Guidelines, 2015. Collection method: clinical testing. Allele origin: unknown.

Labcorp Genetics (formerly Invitae), Labcorp
Classification: Pathogenic. Last evaluated: 2022-11-05. Review status: criteria provided, single submitter. Criteria: Invitae Variant Classification Sherloc (09022015). Collection method: clinical testing. Allele origin: germline.
Comment: This variant is not present in population databases (gnomAD no frequency). For these reasons, this variant has been classified as Pathogenic. This variant has not been reported in the literature in individuals affected with TCIRG1-related conditions. This sequence change creates a premature translational stop signal (p.Ser149*) in the TCIRG1 gene. It is expected to result in an absent or disrupted protein product. Loss-of-function variants in TCIRG1 are known to be pathogenic (PMID: 10888887, 10942435, 11532986, 19448635).

Literature cited by the submitters: PubMed 10888887 (cited by Labcorp Genetics (formerly Invitae), Labcorp); PubMed 10942435 (cited by Labcorp Genetics (formerly Invitae), Labcorp); PubMed 11532986 (cited by Labcorp Genetics (formerly Invitae), Labcorp); PubMed 19448635 (cited by Labcorp Genetics (formerly Invitae), Labcorp).

NM_006019.4(TCIRG1):c.446C>G (p.Ser149Ter)

Gene: TCIRG1 (T cell immune regulator 1, ATPase H+ transporting V0 subunit a3; plus strand). Cytogenetic location: 11q13.2.
Variant type: single nucleotide variant.
Coding change: c.446C>G on transcript NM_006019.4 (MANE Select); coding-DNA position 446, C replaced by G.
Protein change: p.Ser149Ter; replaces serine 149 with a stop codon.
Molecular consequence: nonsense. On other transcripts: 5 prime UTR variant (1).
Genome position (GRCh38, 1-based): chr11:68,042,974, C>G. VCF-style: chr11-68042974-C-G. GRCh37 (hg19) VCF-style: chr11-67810441-C-G.
Other names: c.-804C>G (NM_001351059.2); short protein forms S149*.
Identifiers: ClinVar variation 2679103 (VCV002679103.5), dbSNP rs979358405, ClinGen allele CA224203244.
Genomic context (GRCh38, chr11:68,042,974, plus strand): 5'-GCCTAGGGCTCATGGTGCTTCTGGGTTCCTAGCTGGCAGCCGCCCACACAGATGGGGCCT[C>G]AGAGAGGACGCCCCTGCTCCAGGCCCCCGGGGGGCCGCACCAGGACCTGAGGGTCAAGTG-3'